The following is an entry in ClinVar:

NM_030631.4(SLC25A21):c.438+2T>G

Gene: SLC25A21 (solute carrier family 25 member 21; minus strand). Cytogenetic location: 14q13.3.
Variant type: single nucleotide variant.
Coding change: c.438+2T>G on transcript NM_030631.4 (MANE Select); the canonical splice donor site of the intron after coding-DNA position 438, T replaced by G.
Molecular consequence: splice donor variant.
Genome position (GRCh38, 1-based): chr14:36,725,568, A>C on the plus strand (T>G on the coding strand, the complement: SLC25A21 is on the minus strand). VCF-style: chr14-36725568-A-C. GRCh37 (hg19) VCF-style: chr14-37194773-A-C.
Other names: c.438+2T>G (NM_001171170.2).
Identifiers: ClinVar variation 2745639 (VCV002745639.3), dbSNP rs2502426403, ClinGen allele CA389467547.
Genomic context (GRCh38, chr14:36,725,568, plus strand): 5'-TAAATAAATAAATAAATAAATTTTTACATGCCCCTAACAATAGAAAAACATTAAATGGTT[A>C]CCTCTGCAAATGTGTTCCGATTTGCTTGCAAGCCAACTTTTACTACCTCAAAAGGGTTAA-3'

ClinVar aggregate classification (germline): Uncertain significance (1 of 4 stars; one submission).

Submission:

Labcorp Genetics (formerly Invitae), Labcorp
Classification: Uncertain significance. Last evaluated: 2023-08-04. Review status: criteria provided, single submitter. Criteria: Invitae Variant Classification Sherloc (09022015). Collection method: clinical testing. Allele origin: germline.
Comment: Algorithms developed to predict the effect of sequence changes on RNA splicing suggest that this variant may disrupt the consensus splice site. This sequence change affects a donor splice site in intron 6 of the SLC25A21 gene. It is expected to disrupt RNA splicing. Variants that disrupt the donor or acceptor splice site typically lead to a loss of protein function (PMID: 16199547), however the current clinical and genetic evidence is not sufficient to establish whether loss-of-function variants in SLC25A21 cause disease. This variant is not present in population databases (gnomAD no frequency). This variant has not been reported in the literature in individuals affected with SLC25A21-related conditions. In summary, the available evidence is currently insufficient to determine the role of this variant in disease. Therefore, it has been classified as a Variant of Uncertain Significance.

Literature cited by the submitters: PubMed 16199547.